The following is an entry in ClinVar:

ClinVar aggregate classification (germline): Benign. Review status: criteria provided, multiple submitters, no conflicts (2 of 4 stars). 2 submissions from 2 submitters: Benign (2). Last evaluated 2018-06-14.

Allele frequency attached by ClinVar (database versions not stated): gnomAD 0.93238 and 0.93405; TOPMed 0.93417; 1000 Genomes Project 30x 0.96611; 1000 Genomes Project 0.96885.
gnomAD v4.1: 142,208 of 152,308 alleles (93%); highest among the groups gnomAD compares: East Asian, 100%; 66,557 homozygotes.

Submissions (2):

GeneDx
Classification: Benign. Last evaluated: 2018-06-14. Review status: criteria provided, single submitter. Criteria: GeneDx Variant Classification (06012015). Collection method: clinical testing. Allele origin: germline. Affected: yes.
Comment: This variant is considered likely benign or benign based on one or more of the following criteria: it is a conservative change, it occurs at a poorly conserved position in the protein, it is predicted to be benign by multiple in silico algorithms, and/or has population frequency not consistent with disease.

Breakthrough Genomics
Classification: Benign. Review status: criteria provided, single submitter. Criteria: ACMG Guidelines, 2015. Collection method: not provided. Allele origin: germline. Inheritance: Autosomal dominant inheritance. Affected: yes.

NM_025219.3(DNAJC5):c.107+159G>A

Gene: DNAJC5 (DnaJ heat shock protein family (Hsp40) member C5; plus strand). Cytogenetic location: 20q13.33.
Variant type: single nucleotide variant.
Coding change: c.107+159G>A on transcript NM_025219.3 (MANE Select); 159 bases into the intron after coding-DNA position 107, G replaced by A.
Molecular consequence: intron variant.
Genome position (GRCh38, 1-based): chr20:63,928,611, G>A. VCF-style: chr20-63928611-G-A. GRCh37 (hg19) VCF-style: chr20-62559964-G-A.
Identifiers: ClinVar variation 679297 (VCV000679297.2), dbSNP rs817362, ClinGen allele CA14813259.
Genomic context (GRCh38, chr20:63,928,611, plus strand): 5'-TCCTGGCCGACTCAGCGTTGAACTGGTCACAGCTCGGTAACACCTTTGTATGTGTAATGT[G>A]CTCCTTATAGCTTAAAGTTATGGTATTCATGTTCTCTTGCCAACAAAAAATAGCACTTAG-3'